The following is an entry in ClinVar:

NM_000352.6(ABCC8):c.1178C>T (p.Thr393Ile)

Gene: ABCC8 (ATP binding cassette subfamily C member 8; minus strand). Cytogenetic location: 11p15.1.
Variant type: single nucleotide variant.
Coding change: c.1178C>T on transcript NM_000352.6 (MANE Select); coding-DNA position 1178, C replaced by T.
Protein change: p.Thr393Ile; replaces threonine 393 with isoleucine.
Molecular consequence: missense variant. On other transcripts: non-coding transcript variant (1).
Genome position (GRCh38, 1-based): chr11:17,448,670, G>A on the plus strand (C>T on the coding strand, the complement: ABCC8 is on the minus strand). VCF-style: chr11-17448670-G-A. GRCh37 (hg19) VCF-style: chr11-17470217-G-A.
Other names: c.1178C>T, p.Thr393Ile (NM_001287174.3, NM_001351295.2); c.1175C>T, p.Thr392Ile (NM_001351296.2, NM_001351297.2); short protein forms T392I, T393I.
Identifiers: ClinVar variation 994762 (VCV000994762.3), dbSNP rs377104807, ClinGen allele CA379768830.

ClinVar aggregate classification (germline): Uncertain significance. Review status: criteria provided, multiple submitters, no conflicts (2 of 4 stars). 4 submissions from 3 submitters: Uncertain significance (3). 1 of the submissions does not count toward it. Last evaluated 2020-01-30.

Conditions:
Transitory neonatal diabetes mellitus. Also called: Transient neonatal diabetes mellitus. Identifiers: MedGen C0342273, MONDO:0020525, HP:0008255.
Hereditary hyperinsulinism.
Maturity-onset diabetes of the young (MODY). Also called: Maturity onset diabetes mellitus in young. Identifiers: Orphanet 552, MedGen C0342276, MONDO:0018911, HP:0004904.

Allele frequency attached by ClinVar (database versions not stated): gnomAD exomes below 0.00001.
gnomAD v4.1: 4 of 1,614,146 alleles (0.00025%); highest among the groups gnomAD compares: South Asian, 0.0011%; no homozygotes.

Submissions (4):

Athena Diagnostics
Classification: Uncertain significance. Last evaluated: 2020-01-30. Review status: criteria provided, single submitter. Criteria: Athena Diagnostics Criteria. Collection method: clinical testing. Allele origin: unknown.

Clinical Genomics, Uppaluri K&H Personalized Medicine Clinic
Classification: Uncertain significance for Maturity-onset diabetes of the young. Review status: criteria provided, single submitter. Criteria: K & H Uppaluri Personalized Medicine Clinic Variant Classification & Assertion Criteria_Updated V.1. Collection method: research. Allele origin: unknown. Inheritance: Somatic mutation.
Comment: Mutations in ABCC8 gene are associated with both neonatal diabetes mellitus as well as MODY. Patients with this mutation may have a better response to sulfonylureas. However, no sufficient evidence is found to ascertain the role of this particular variant ( rs377104807) in MODY yet.

Clinical Genomics, Uppaluri K&H Personalized Medicine Clinic
Classification: Uncertain significance for Transitory neonatal diabetes mellitus. Review status: criteria provided, single submitter. Criteria: K & H Uppaluri Personalized Medicine Clinic Variant Classification & Assertion Criteria_Updated V.1. Collection method: research. Allele origin: unknown. Inheritance: Somatic mutation.
Comment: Mutations in ABCC8 gene are associated with both neonatal diabetes mellitus as well as MODY. Patients with this mutation may have a better response to sulfonylureas. However, no sufficient evidence is found to ascertain the role of this particular variant ( rs377104807) in neonatal diabetes yet.

Natera, Inc.
Classification: Uncertain significance for Hereditary hyperinsulinism. Last evaluated: 2020-06-09. Review status: no assertion criteria provided. Collection method: clinical testing. Allele origin: germline. Not counted in ClinVar's aggregate classification.

Literature cited by the submitters: PubMed 16885549 (cited by Clinical Genomics, Uppaluri K&H Personalized Medicine Clinic); PubMed 21989597 (cited by Clinical Genomics, Uppaluri K&H Personalized Medicine Clinic); PubMed 27538677 (cited by Clinical Genomics, Uppaluri K&H Personalized Medicine Clinic); PubMed 18981553 (cited by Clinical Genomics, Uppaluri K&H Personalized Medicine Clinic); PubMed 32027066 (cited by Clinical Genomics, Uppaluri K&H Personalized Medicine Clinic); PubMed 16613899 (cited by Clinical Genomics, Uppaluri K&H Personalized Medicine Clinic); PubMed 18025408 (cited by Clinical Genomics, Uppaluri K&H Personalized Medicine Clinic); PubMed 32792356 (cited by Clinical Genomics, Uppaluri K&H Personalized Medicine Clinic).